The following is an entry in ClinVar:

ClinVar aggregate classification (germline): Uncertain significance (1 of 4 stars; one submission).

Conditions:
Hypertrophic cardiomyopathy. Also called: HYPERTROPHIC MYOCARDIOPATHY. Identifiers: Orphanet 217569, MedGen C0007194, MeSH D002312, MONDO:0005045, HP:0001639.

Submission:

Labcorp Genetics (formerly Invitae), Labcorp
Classification: Uncertain significance for Hypertrophic cardiomyopathy. Last evaluated: 2023-03-10. Review status: criteria provided, single submitter. Criteria: Invitae Variant Classification Sherloc (09022015). Collection method: clinical testing. Allele origin: germline.
Comment: In summary, the available evidence is currently insufficient to determine the role of this variant in disease. Therefore, it has been classified as a Variant of Uncertain Significance. An algorithm developed to predict the effect of missense changes on protein structure and function (PolyPhen-2) suggests that this variant is likely to be disruptive. ClinVar contains an entry for this variant (Variation ID: 1359700). This variant has not been reported in the literature in individuals affected with MYL3-related conditions. This variant is not present in population databases (gnomAD no frequency). This sequence change replaces tyrosine, which is neutral and polar, with asparagine, which is neutral and polar, at codon 185 of the MYL3 protein (p.Tyr185Asn).

NM_000258.3(MYL3):c.553T>A (p.Tyr185Asn)

Gene: MYL3 (myosin light chain 3; minus strand). Cytogenetic location: 3p21.31.
Variant type: single nucleotide variant.
Coding change: c.553T>A on transcript NM_000258.3 (MANE Select); coding-DNA position 553, T replaced by A.
Protein change: p.Tyr185Asn; replaces tyrosine 185 with asparagine.
Molecular consequence: missense variant.
Genome position (GRCh38, 1-based): chr3:46,858,390, A>T on the plus strand (T>A on the coding strand, the complement: MYL3 is on the minus strand). VCF-style: chr3-46858390-A-T. GRCh37 (hg19) VCF-style: chr3-46899880-A-T.
Other names: short protein forms Y185N.
Identifiers: ClinVar variation 1359700 (VCV001359700.6), dbSNP rs2106904797, ClinGen allele CA352495254.